The following is an entry in ClinVar:

NM_000051.4(ATM):c.2258T>C (p.Met753Thr)

Gene: ATM (ATM serine/threonine kinase; plus strand). Cytogenetic location: 11q22.3.
Variant type: single nucleotide variant.
Coding change: c.2258T>C on transcript NM_000051.4 (MANE Select); coding-DNA position 2258, T replaced by C.
Protein change: p.Met753Thr; replaces methionine 753 with threonine.
Molecular consequence: missense variant.
Genome position (GRCh38, 1-based): chr11:108,257,488, T>C. VCF-style: chr11-108257488-T-C. GRCh37 (hg19) VCF-style: chr11-108128215-T-C.
Other names: c.2258T>C, p.Met753Thr (NM_001351834.2); short protein forms M753T.
Identifiers: ClinVar variation 141255 (VCV000141255.23), dbSNP rs587781607, ClinGen allele CA164930.

ClinVar aggregate classification (germline): Uncertain significance. Review status: criteria provided, multiple submitters, no conflicts (2 of 4 stars). 7 submissions from 7 submitters: Uncertain significance (6). 1 of the submissions does not count toward it. Last evaluated 2025-12-12.

Conditions:
ATM-related disorder. Also called: ATM-related disorders; ATM-related condition.
Hereditary cancer-predisposing syndrome. Also called: Tumor predisposition; Neoplastic Syndromes, Hereditary; Hereditary neoplastic syndrome; Hereditary Cancer Syndrome. Identifiers: Orphanet 140162, MedGen C0027672, MeSH D009386, MONDO:0015356.
Ataxia-telangiectasia syndrome (AT). Also called: Ataxia-telangiectasia, complementation group D; AT, COMPLEMENTATION GROUP C; Cerebello-oculocutaneous telangiectasia; Immunodeficiency with ataxia telangiectasia; ATAXIA-TELANGIECTASIA, COMPLEMENTATION GROUP A; ATAXIA-TELANGIECTASIA, FRESNO VARIANT. Identifiers: Orphanet 100, MedGen C0004135, MONDO:0008840, OMIM 208900.

Allele frequency attached by ClinVar (database versions not stated): gnomAD exomes below 0.00001; gnomAD 0.00002; TOPMed 0.00002.
gnomAD v4.1: 6 of 1,613,144 alleles (0.00037%); highest among the groups gnomAD compares: African/African-American, 0.0027%; no homozygotes.

Submissions (7):

PreventionGenetics, part of Exact Sciences
Classification: Uncertain significance for ATM-related condition. Last evaluated: 2025-12-12. Review status: criteria provided, single submitter. Criteria: ACMG Guidelines, 2015. Collection method: clinical testing. Allele origin: germline.
Comment: The ATM c.2258T>C variant is predicted to result in the amino acid substitution p.Met753Thr. This variant was reported in an individual with prostate cancer (Table S4, Karlsson et al. 2021. PubMed ID: 33436325) and an individual with renal cell carcinoma (Supplemental Table 2, Nguyen et al. 2023. PubMed ID: 38127826). This variant is reported in 0.011% of alleles in individuals of African descent in gnomAD and is classified as a variant of uncertain significance in the ClinVar database (Variation ID: 141255). At this time, the clinical significance of this variant is uncertain due to the absence of conclusive functional and genetic evidence.

Labcorp Genetics (formerly Invitae), Labcorp
Classification: Uncertain significance for Ataxia-telangiectasia syndrome. Last evaluated: 2025-11-11. Review status: criteria provided, single submitter. Criteria: Invitae Variant Classification Sherloc (09022015). Collection method: clinical testing. Allele origin: germline.
Comment: This sequence change replaces methionine, which is neutral and non-polar, with threonine, which is neutral and polar, at codon 753 of the ATM protein (p.Met753Thr). This variant is present in population databases (rs587781607, gnomAD 0.01%). This missense change has been observed in individual(s) with prostate cancer (PMID: 33436325). ClinVar contains an entry for this variant (Variation ID: 141255). Invitae Evidence Modeling of protein sequence and biophysical properties (such as structural, functional, and spatial information, amino acid conservation, physicochemical variation, residue mobility, and thermodynamic stability) indicates that this missense variant is not expected to disrupt ATM protein function with a negative predictive value of 95%. In summary, the available evidence is currently insufficient to determine the role of this variant in disease. Therefore, it has been classified as a Variant of Uncertain Significance.

Ambry Genetics
Classification: Uncertain significance for Hereditary cancer-predisposing syndrome. Last evaluated: 2025-07-07. Review status: criteria provided, single submitter. Criteria: Ambry Variant Classification Scheme 2023. Collection method: clinical testing. Allele origin: germline.
Comment: The p.M753T variant (also known as c.2258T>C), located in coding exon 14 of the ATM gene, results from a T to C substitution at nucleotide position 2258. The methionine at codon 753 is replaced by threonine, an amino acid with similar properties. This variant was reported in 1/5560 prostate cancer cases and in 0/3353 controls of European ancestry (Karlsson Q et al. Eur Urol Oncol, 2021 Aug;4:570-579). This amino acid position is well conserved in available vertebrate species. In addition, the in silico prediction for this alteration is inconclusive. Since supporting evidence is limited at this time, the clinical significance of this alteration remains unclear.

Color Diagnostics, LLC DBA Color Health
Classification: Uncertain significance for Hereditary cancer-predisposing syndrome. Last evaluated: 2025-04-15. Review status: criteria provided, single submitter. Criteria: ACMG Guidelines, 2015. Collection method: clinical testing. Allele origin: germline.
Comment: This missense variant replaces methionine with threonine at codon 753 of the ATM protein. Computational prediction suggests that this variant may not impact protein structure and function. To our knowledge, functional studies have not been reported for this variant. This variant has been reported in an individual affected with prostate cancer (PMID: 33436325). This variant has been identified in 2/31412 chromosomes in the general population by the Genome Aggregation Database (gnomAD). The available evidence is insufficient to determine the role of this variant in disease conclusively. Therefore, this variant is classified as a Variant of Uncertain Significance.

Women's Health and Genetics/Laboratory Corporation of America, LabCorp
Classification: Uncertain significance. Last evaluated: 2017-10-12. Review status: criteria provided, single submitter. Criteria: LabCorp Variant Classification Summary - May 2015. Collection method: clinical testing. Allele origin: germline.
Comment: Variant summary: The ATM c.2258T>C (p.Met753Thr) variant causes a missense change involving the alteration of a conserved nucleotide and 3/4 in silico tools predict a damaging outcome for this variant (SNPsandGO not captured due to low reliability index). This variant was found in 2/30988 control chromosomes (gnomAD) at a frequency of 0.0000645, which does not exceed the estimated maximal expected allele frequency of a pathogenic ATM variant (0.0039528). In addition, multiple clinical diagnostic laboratories classified this variant as uncertain significance. The variant of interest has not, to our knowledge, been reported in affected individuals via publications; nor evaluated for functional impact by in vivo/vitro studies. Because of the absence of clinical information and the lack of functional studies, the variant is classified as a "Variant of Uncertain Significance (VUS)," until additional information becomes available.

GeneDx
Classification: Uncertain significance. Last evaluated: 2016-05-28. Review status: criteria provided, single submitter. Criteria: GeneDx Variant Classification (06012015). Collection method: clinical testing. Allele origin: germline. Affected: yes.
Comment: This variant is denoted ATM c.2258T>C at the cDNA level, p.Met753Thr (M753T) at the protein level, and results in the change of a Methionine to a Threonine (ATG>ACG). This variant has not, to our knowledge, been published in the literature as pathogenic or benign. ATM Met753Thr was not observed in approximately 6,500 individuals of European and African American ancestry in the NHLBI Exome Sequencing Project, suggesting it is not a common benign variant in these populations. Since Methionine and Threonine differ in polarity, charge, size or other properties, this is considered a non-conservative amino acid substitution. ATM Met753Thr occurs at a position where amino acids with properties similar to Methionine are tolerated across species and is not located in a known functional domain (Tavtigian 2009). In silico analyses are inconsistent regarding the effect this variant may have on protein structure and function. Based on currently available evidence, it is unclear whether ATM Met753Thr is a pathogenic or benign variant. We consider it to be a variant of uncertain significance.

Natera, Inc.
Classification: Uncertain significance for Ataxia-telangiectasia. Last evaluated: 2020-04-05. Review status: no assertion criteria provided. Collection method: clinical testing. Allele origin: germline. Not counted in ClinVar's aggregate classification.

Literature cited by the submitters: PubMed 33436325 (cited by 3 submitters).